The following is an entry in ClinVar:

NM_005076.5(CNTN2):c.2281G>A (p.Ala761Thr)

Gene: CNTN2 (contactin 2; plus strand). Cytogenetic location: 1q32.1.
Variant type: single nucleotide variant.
Coding change: c.2281G>A on transcript NM_005076.5 (MANE Select); coding-DNA position 2281, G replaced by A.
Protein change: p.Ala761Thr; replaces alanine 761 with threonine.
Molecular consequence: missense variant. On other transcripts: non-coding transcript variant (1).
Genome position (GRCh38, 1-based): chr1:205,069,911, G>A. VCF-style: chr1-205069911-G-A. GRCh37 (hg19) VCF-style: chr1-205039039-G-A.
Other names: c.2281G>A, p.Ala761Thr (NM_001346083.2); short protein forms A761T.
Identifiers: ClinVar variation 1969526 (VCV001969526.5), dbSNP rs750025068, ClinGen allele CA1351654.

ClinVar aggregate classification (germline): Uncertain significance (1 of 4 stars; one submission).

Conditions:
Epilepsy, familial adult myoclonic, 5 (EPEO5). Also called: CORTICAL MYOCLONIC TREMOR WITH EPILEPSY, FAMILIAL, 5. Identifiers: Orphanet 86814, MedGen C3809374, MONDO:0014167, OMIM 615400.

Allele frequency attached by ClinVar (database versions not stated): TOPMed below 0.00001.
gnomAD v4.1: 5 of 1,613,780 alleles (0.00031%); highest among the groups gnomAD compares: Non-Finnish European, 0.00034%; no homozygotes.

Submission:

Labcorp Genetics (formerly Invitae), Labcorp
Classification: Uncertain significance for Epilepsy, familial adult myoclonic, 5. Last evaluated: 2025-04-07. Review status: criteria provided, single submitter. Criteria: Invitae Variant Classification Sherloc (09022015). Collection method: clinical testing. Allele origin: germline.
Comment: This sequence change replaces alanine, which is neutral and non-polar, with threonine, which is neutral and polar, at codon 761 of the CNTN2 protein (p.Ala761Thr). This variant is present in population databases (rs750025068, gnomAD no frequency). This variant has not been reported in the literature in individuals affected with CNTN2-related conditions. ClinVar contains an entry for this variant (Variation ID: 1969526). Invitae Evidence Modeling of protein sequence and biophysical properties (such as structural, functional, and spatial information, amino acid conservation, physicochemical variation, residue mobility, and thermodynamic stability) indicates that this missense variant is not expected to disrupt CNTN2 protein function with a negative predictive value of 95%. In summary, the available evidence is currently insufficient to determine the role of this variant in disease. Therefore, it has been classified as a Variant of Uncertain Significance.